The following is an entry in ClinVar:

NM_004183.4(BEST1):c.140G>A (p.Arg47His)

Gene: BEST1 (bestrophin 1; plus strand). Cytogenetic location: 11q12.3.
Variant type: single nucleotide variant.
Coding change: c.140G>A on transcript NM_004183.4 (MANE Select); coding-DNA position 140, G replaced by A.
Protein change: p.Arg47His; replaces arginine 47 with histidine.
Molecular consequence: missense variant. On other transcripts: non-coding transcript variant (1), intron variant (6).
Genome position (GRCh38, 1-based): chr11:61,951,946, G>A. VCF-style: chr11-61951946-G-A. GRCh37 (hg19) VCF-style: chr11-61719418-G-A.
Other names: c.140G>A, p.Arg47His (NM_001363592.2, NM_001440571.1, NM_001440572.1 and 1 more transcripts); c.-29+1519G>A (NM_001139443.3, NM_001300787.2, NM_001440574.1 and 3 more transcripts); short protein forms R47H.
Identifiers: ClinVar variation 2738 (VCV000002738.19), dbSNP rs28940278, ClinGen allele CA227724.

ClinVar aggregate classification (germline): Pathogenic/Likely pathogenic. Review status: criteria provided, multiple submitters, no conflicts (2 of 4 stars). 11 submissions from 11 submitters: Pathogenic (2); Likely pathogenic (6). 3 of the submissions do not count toward it. Last evaluated 2026-06-01.

Conditions:
BEST1-related disorder. Also called: BEST1-related condition; BEST1-related disorders. Identifiers: MedGen CN239200.
Retinal dystrophy. Also called: Inherited retinal dystrophy. Identifiers: Orphanet 71862, MedGen C0854723, MeSH D058499, MONDO:0019118, HP:0000556.
Autosomal dominant vitreoretinochoroidopathy. Also called: Autosomal Dominant Vitreoretinochoroidopathy (ADVIRC); VITREORETINOCHOROIDOPATHY, AUTOSOMAL DOMINANT, WITH NANOPHTHALMOS; VITREORETINOCHOROIDOPATHY WITH MICROCORNEA, GLAUCOMA, AND CATARACT. Identifiers: Orphanet 263347, Orphanet 3086, MedGen C3888099, MONDO:0008662, OMIM 193220.
Retinitis pigmentosa 50 (RP50). Also called: Retinitis pigmentosa, concentric. Identifiers: Orphanet 791, MedGen C2750789, MONDO:0013175, OMIM 613194.
Vitelliform macular dystrophy 2. Also called: Best Vitelliform Macular Dystrophy (BVMD); VITELLIFORM MACULAR DYSTROPHY, EARLY-ONSET; VITELLIFORM MACULAR DYSTROPHY, JUVENILE-ONSET; Best vitelliform macular dystrophy, multifocal; MACULAR DEGENERATION, POLYMORPHIC VITELLINE; Best Macular Dystrophy. Identifiers: Orphanet 1243, MedGen C2745945, MONDO:0007931, OMIM 153700.
Autosomal recessive bestrophinopathy. Also called: Autosomal Recessive Bestrophinopathy (ARB). Identifiers: Orphanet 139455, MedGen C3888198, MONDO:0012733, OMIM 611809.

Allele frequency attached by ClinVar (database versions not stated): ExAC 0.00001; TOPMed 0.00001; gnomAD exomes 0.00002.
gnomAD v4.1: 17 of 1,613,618 alleles (0.0011%); highest among the groups gnomAD compares: East Asian, 0.0067%; no homozygotes.

Submissions (11):

PreventionGenetics, part of Exact Sciences
Classification: Likely pathogenic for BEST1-related condition. Last evaluated: 2026-06-01. Review status: criteria provided, single submitter. Criteria: ACMG Guidelines, 2015. Collection method: clinical testing. Allele origin: germline.
Comment: The BEST1 c.140G>A variant is predicted to result in the amino acid substitution p.Arg47His. This variant has been reported in the homozygous state or with a second BEST1 variant in individuals with autosomal recessive bestrophinopathy, and it segregated with disease in four siblings with recessive disease (see, for example: Nguyen et al. 2018. PubMed ID: 29976937; Hufendiek et al. 2020. PubMed ID: 33302512; Yin and Cai. 2022. PubMed ID: 35768830). It has also been reported in the heterozygous state in individuals with presumed autosomal dominant BEST1-related disorders (see, for example: Krämer et al. 2000. PubMed ID: 10854112; Liu et al. 2016. PubMed ID: 27078032; Gao et al. 2020. PubMed ID: 31519547), although unaffected heterozygous relatives of individuals with recessive disorders have been reported as well (Nguyen et al. 2018. PubMed ID: 29976937; Yin and Cai. 2022. PubMed ID: 35768830). In vitro experimental studies indicate this variant does not impact protein localization (Johnson et al. 2014. PubMed ID: 24560797). Other missense variants impacting the same amino acid (p.Arg47Cys, p.Arg47Leu) have been reported in individuals with autosomal recessive BEST1-related disorders (Kinnick et al. 2011. PubMed ID: 21273940; Zhang et al. 2022. PubMed ID: 36457741). This variant is present in 0.011% of alleles in individuals of East Asian descent in gnomAD. This variant is interpreted as likely pathogenic for autosomal recessive disease, but uncertain for autosomal dominant disease.

Labcorp Genetics (formerly Invitae), Labcorp
Classification: Pathogenic. Last evaluated: 2025-10-14. Review status: criteria provided, single submitter. Criteria: Invitae Variant Classification Sherloc (09022015). Collection method: clinical testing. Allele origin: germline.
Comment: This sequence change replaces arginine, which is basic and polar, with histidine, which is basic and polar, at codon 47 of the BEST1 protein (p.Arg47His). This variant is present in population databases (rs28940278, gnomAD 0.01%). This missense change has been observed in individuals with autosomal recessive bestrophinopathy (PMID: 28687848, 29976937, 30498755). It has also been observed to segregate with disease in related individuals. This variant has been reported in individual(s) with autosomal dominant BEST1-related conditions (PMID: 10854112, 27078032, 30718709); however, the role of the variant in this condition is currently unclear. ClinVar contains an entry for this variant (Variation ID: 2738). Invitae Evidence Modeling of protein sequence and biophysical properties (such as structural, functional, and spatial information, amino acid conservation, physicochemical variation, residue mobility, and thermodynamic stability) indicates that this missense variant is expected to disrupt BEST1 protein function with a positive predictive value of 95%. Experimental studies have shown that this missense change does not substantially affect BEST1 function (PMID: 24560797). This variant disrupts the p.Arg47 amino acid residue in BEST1. Other variant(s) that disrupt this residue have been observed in individuals with BEST1-related conditions (PMID: 21273940), which suggests that this may be a clinically significant amino acid residue. For these reasons, this variant has been classified as Pathogenic.

Department of Pathology and Laboratory Medicine, Sinai Health System
Classification: Likely pathogenic for Vitelliform macular dystrophy 2; Autosomal dominant vitreoretinochoroidopathy; Retinitis pigmentosa 50; Autosomal recessive bestrophinopathy. Last evaluated: 2023-09-25. Review status: criteria provided, single submitter. Criteria: ACMG Guidelines, 2015. Collection method: research. Allele origin: germline.

Blueprint Genetics
Classification: Pathogenic for BEST1-related disorders. Last evaluated: 2023-08-03. Review status: criteria provided, single submitter. Criteria: ACMG Guidelines, 2015. Collection method: clinical testing. Allele origin: germline. Affected: yes. Observed: 5 variant alleles.

3billion
Classification: Likely pathogenic for Vitelliform macular dystrophy 2. Last evaluated: 2023-02-23. Review status: criteria provided, single submitter. Criteria: ACMG Guidelines, 2015. Collection method: clinical testing. Allele origin: unknown. Affected: yes.
Comment: The variant is observed at an extremely low frequency in the gnomAD v2.1.1 dataset (total allele frequency: 0.002%). Missense changes are a common disease-causing mechanism. In silico tool predictions suggest damaging effect of the variant on gene or gene product (REVEL: 0.70). Same nucleotide change resulting in same amino acid change has been previously reported as pathogenic/likely pathogenic with strong evidence (ClinVar ID: VCV000002738). A different missense change at the same codon (p.Arg47Cys) has been reported to be associated with BEST1 related disorder (ClinVar ID: VCV000305117 / PMID: 21273940). Therefore, this variant is classified as Likely pathogenic according to the recommendation of ACMG/AMP guideline.

Genetics and Genomic Medicine Centre, NeuroGen Healthcare, NeuroGen Healthcare
Classification: Likely pathogenic for Vitelliform macular dystrophy 2. Last evaluated: 2022-05-15. Review status: criteria provided, single submitter. Criteria: Submitter's publication. Collection method: clinical testing. Allele origin: unknown. Affected: no.

Institute of Human Genetics, Univ. Regensburg, Univ. Regensburg
Classification: Likely pathogenic for Retinal dystrophy. Last evaluated: 2015-01-01. Review status: criteria provided, single submitter. Criteria: ACMG Guidelines, 2015. Collection method: clinical testing. Allele origin: germline. Affected: yes.

Juno Genomics, Hangzhou Juno Genomics, Inc
Classification: Likely pathogenic for Autosomal dominant vitreoretinochoroidopathy; Autosomal recessive bestrophinopathy; Vitelliform macular dystrophy 2; Retinitis pigmentosa 50. Review status: criteria provided, single submitter. Criteria: ACMG Guidelines, 2015. Collection method: clinical testing. Allele origin: germline. Affected: yes.
Comment: Absent from controls (or at extremely low frequency if recessive) in Genome Aggregation Database, Exome Sequencing Project, 1000 Genomes Project, or Exome Aggregation Consortium.;Multiple lines of computational evidence support a deleterious effect on the gene or gene product (conservation, evolutionary, splicing impact, etc).;For recessive disorders, detected in trans with a pathogenic variant.;Co-segregation with disease in multiple affected family members in a gene definitively known to cause the disease.;Patient's phenotype or family history is highly specific for a disease with a single genetic etiology.

Department of Clinical Genetics, Copenhagen University Hospital, Rigshospitalet
Classification: Likely pathogenic for Vitelliform macular dystrophy type 2. Last evaluated: 2018-04-01. Review status: no assertion criteria provided. Collection method: research. Allele origin: unknown. Affected: yes. Study: VeluxRD. Not counted in ClinVar's aggregate classification.

OMIM
Classification: Pathogenic for MACULAR DYSTROPHY, VITELLIFORM, 2. Last evaluated: 2000-04-01. Review status: no assertion criteria provided. Collection method: literature only. Allele origin: germline. Not counted in ClinVar's aggregate classification.

Retina International
No classification provided. Review status: no classification provided. Collection method: not provided. Allele origin: not provided. Not counted in ClinVar's aggregate classification.

Literature cited by the submitters: PubMed 28687848 (cited by Labcorp Genetics (formerly Invitae), Labcorp and Institute of Human Genetics, Univ. Regensburg, Univ. Regensburg); PubMed 29976937 (cited by Labcorp Genetics (formerly Invitae), Labcorp and Institute of Human Genetics, Univ. Regensburg, Univ. Regensburg); PubMed 30498755 (cited by Labcorp Genetics (formerly Invitae), Labcorp); PubMed 10854112 (cited by 3 submitters); PubMed 27078032 (cited by Labcorp Genetics (formerly Invitae), Labcorp and Institute of Human Genetics, Univ. Regensburg, Univ. Regensburg); PubMed 30718709 (cited by 3 submitters); PubMed 24560797 (cited by Labcorp Genetics (formerly Invitae), Labcorp and Institute of Human Genetics, Univ. Regensburg, Univ. Regensburg); PubMed 21273940 (cited by Labcorp Genetics (formerly Invitae), Labcorp and 3billion); PubMed 31589614 (cited by Institute of Human Genetics, Univ. Regensburg, Univ. Regensburg); PubMed 31519547 (cited by Institute of Human Genetics, Univ. Regensburg, Univ. Regensburg); PubMed 33302512 (cited by Institute of Human Genetics, Univ. Regensburg, Univ. Regensburg); PubMed 35885980 (cited by Institute of Human Genetics, Univ. Regensburg, Univ. Regensburg); PubMed 35973442 (cited by Institute of Human Genetics, Univ. Regensburg, Univ. Regensburg); PubMed 35768830 (cited by Institute of Human Genetics, Univ. Regensburg, Univ. Regensburg).